The following is an entry in ClinVar:

NM_178862.3(STT3B):c.895A>G (p.Ile299Val)

Gene: STT3B (STT3 oligosaccharyltransferase complex catalytic subunit B; plus strand). Cytogenetic location: 3p23.
Variant type: single nucleotide variant.
Coding change: c.895A>G on transcript NM_178862.3 (MANE Select); coding-DNA position 895, A replaced by G.
Protein change: p.Ile299Val; replaces isoleucine 299 with valine.
Molecular consequence: missense variant.
Genome position (GRCh38, 1-based): chr3:31,615,122, A>G. VCF-style: chr3-31615122-A-G. GRCh37 (hg19) VCF-style: chr3-31656614-A-G.
Other names: c.895A>G (NM_178862.1); short protein forms I299V.
Identifiers: ClinVar variation 585072 (VCV000585072.13), dbSNP rs141238380, ClinGen allele CA2295064.

ClinVar aggregate classification (germline): Conflicting classifications of pathogenicity. Review status: criteria provided, conflicting classifications (1 of 4 stars). 4 submissions from 4 submitters: Uncertain significance (2); Likely benign (2). Last evaluated 2025-04-17.

Conditions:
STT3B-congenital disorder of glycosylation. Also called: CDG Ix; Congenital disorder of glycosylation type 1x; STT3B-CDG. Identifiers: Orphanet 370924, MedGen C2931007, MONDO:0014271, OMIM 615597.

Allele frequency attached by ClinVar (database versions not stated): gnomAD 0.00014; 1000 Genomes Project 30x 0.00016; 1000 Genomes Project 0.00020; gnomAD exomes 0.00020 and 0.00029; TOPMed 0.00020; ESP Exome Variant Server 0.00031; ExAC 0.00034.
gnomAD v4.1: 333 of 1,609,110 alleles (0.021%); highest among the groups gnomAD compares: Middle Eastern, 0.35%; 2 homozygotes.

Submissions (4):

Labcorp Genetics (formerly Invitae), Labcorp
Classification: Likely benign for STT3B-congenital disorder of glycosylation. Last evaluated: 2025-04-17. Review status: criteria provided, single submitter. Criteria: Invitae Variant Classification Sherloc (09022015). Collection method: clinical testing. Allele origin: germline.

Blueprint Genetics
Classification: Uncertain significance. Last evaluated: 2024-11-25. Review status: criteria provided, single submitter. Criteria: ACMG Guidelines, 2015. Collection method: clinical testing. Allele origin: germline.

Ambry Genetics
Classification: Uncertain significance. Last evaluated: 2022-06-30. Review status: criteria provided, single submitter. Criteria: Ambry Variant Classification Scheme 2023. Collection method: clinical testing. Allele origin: germline.

Breakthrough Genomics
Classification: Likely benign. Review status: criteria provided, single submitter. Criteria: ACMG Guidelines, 2015. Collection method: not provided. Allele origin: germline. Inheritance: Autosomal recessive inheritance. Affected: yes.